The following is an entry in ClinVar:

NM_017617.5(NOTCH1):c.7472C>A (p.Ser2491Tyr)

Gene: NOTCH1 (notch receptor 1; minus strand). Cytogenetic location: 9q34.3.
Variant type: single nucleotide variant.
Coding change: c.7472C>A on transcript NM_017617.5 (MANE Select); coding-DNA position 7472, C replaced by A.
Protein change: p.Ser2491Tyr; replaces serine 2491 with tyrosine.
Molecular consequence: missense variant.
Genome position (GRCh38, 1-based): chr9:136,496,267, G>T on the plus strand (C>A on the coding strand, the complement: NOTCH1 is on the minus strand). VCF-style: chr9-136496267-G-T. GRCh37 (hg19) VCF-style: chr9-139390719-G-T.
Other names: c.7472C>A (NM_017617.3); short protein forms S2491Y.
Identifiers: ClinVar variation 1016511 (VCV001016511.11), dbSNP rs757165853, ClinGen allele CA5339665.

ClinVar aggregate classification (germline): Uncertain significance. Review status: criteria provided, multiple submitters, no conflicts (2 of 4 stars). 4 submissions from 4 submitters: Uncertain significance (4). Last evaluated 2025-12-22.

Conditions:
Familial thoracic aortic aneurysm and aortic dissection (TAAD). Also called: Thoracic aortic aneurysms and dissections. Identifiers: Orphanet 91387, MedGen C4707243, MONDO:0019625.
Adams-Oliver syndrome 5 (AOS5). Identifiers: Orphanet 974, MedGen C4014970, MONDO:0014459, OMIM 616028.

Allele frequency attached by ClinVar (database versions not stated): ExAC 0.00001; gnomAD 0.00001; TOPMed 0.00001.
gnomAD v4.1: 16 of 1,601,922 alleles (0.001%); highest among the groups gnomAD compares: Non-Finnish European, 0.0013%; no homozygotes.

Submissions (4):

Labcorp Genetics (formerly Invitae), Labcorp
Classification: Uncertain significance for Adams-Oliver syndrome 5. Last evaluated: 2025-12-22. Review status: criteria provided, single submitter. Criteria: Invitae Variant Classification Sherloc (09022015). Collection method: clinical testing. Allele origin: germline.
Comment: This sequence change replaces serine, which is neutral and polar, with tyrosine, which is neutral and polar, at codon 2491 of the NOTCH1 protein (p.Ser2491Tyr). The frequency data for this variant in the population databases is considered unreliable, as metrics indicate poor data quality at this position in the gnomAD database. This variant has not been reported in the literature in individuals affected with NOTCH1-related conditions. ClinVar contains an entry for this variant (Variation ID: 1016511). Invitae Evidence Modeling of protein sequence and biophysical properties (such as structural, functional, and spatial information, amino acid conservation, physicochemical variation, residue mobility, and thermodynamic stability) indicates that this missense variant is not expected to disrupt NOTCH1 protein function with a negative predictive value of 80%. In summary, the available evidence is currently insufficient to determine the role of this variant in disease. Therefore, it has been classified as a Variant of Uncertain Significance.

Ambry Genetics
Classification: Uncertain significance for Familial thoracic aortic aneurysm and aortic dissection. Last evaluated: 2025-06-28. Review status: criteria provided, single submitter. Criteria: Ambry Variant Classification Scheme 2023. Collection method: clinical testing. Allele origin: germline.
Comment: The p.S2491Y variant (also known as c.7472C>A), located in coding exon 34 of the NOTCH1 gene, results from a C to A substitution at nucleotide position 7472. The serine at codon 2491 is replaced by tyrosine, an amino acid with dissimilar properties. This amino acid position is conserved. In addition, this alteration is predicted to be tolerated by in silico analysis. Based on the available evidence, the clinical significance of this variant remains unclear.

Women's Health and Genetics/Laboratory Corporation of America, LabCorp
Classification: Uncertain significance. Last evaluated: 2024-09-09. Review status: criteria provided, single submitter. Criteria: LabCorp Variant Classification Summary - May 2015. Collection method: clinical testing. Allele origin: germline.

Blueprint Genetics
Classification: Uncertain significance. Last evaluated: 2024-02-09. Review status: criteria provided, single submitter. Criteria: ACMG Guidelines, 2015. Collection method: clinical testing. Allele origin: germline.